The following is an entry in ClinVar:

NM_001040108.2(MLH3):c.2872A>T (p.Asn958Tyr)

Gene: MLH3 (mutL homolog 3; minus strand). Cytogenetic location: 14q24.3.
Variant type: single nucleotide variant.
Coding change: c.2872A>T on transcript NM_001040108.2 (MANE Select); coding-DNA position 2872, A replaced by T.
Protein change: p.Asn958Tyr; replaces asparagine 958 with tyrosine.
Molecular consequence: missense variant.
Genome position (GRCh38, 1-based): chr14:75,046,784, T>A on the plus strand (A>T on the coding strand, the complement: MLH3 is on the minus strand). VCF-style: chr14-75046784-T-A. GRCh37 (hg19) VCF-style: chr14-75513487-T-A.
Other names: c.2872A>T, p.Asn958Tyr (NM_014381.3); short protein forms N958Y.
Identifiers: ClinVar variation 4860200 (VCV004860200.1).
Genomic context (GRCh38, chr14:75,046,784, plus strand): 5'-TAGAATTATTATAGGGCAATACCAAAGGAGTTTCTGATATCACACAGTTCTCTGTTGTAT[T>A]GCTGTTAGAATGTGTTTTACTATTTTTATTAAAGGAATTATCCTGTGTGGCAGAATCTGA-3'
Protein context (NP_001035197.1, residues 948-968): NKNSKTHSNS[Asn958Tyr]TTENCVISET

ClinVar aggregate classification (germline): Uncertain significance (1 of 4 stars; one submission).

Submission:

Ambry Genetics
Classification: Uncertain significance. Last evaluated: 2026-05-14. Review status: criteria provided, single submitter. Criteria: Ambry Variant Classification Scheme 2023. Collection method: clinical testing. Allele origin: germline.
Comment: The p.N958Y variant (also known as c.2872A>T), located in coding exon 1 of the MLH3 gene, results from an A to T substitution at nucleotide position 2872. The asparagine at codon 958 is replaced by tyrosine, an amino acid with dissimilar properties. This amino acid position is conserved. In addition, this alteration is predicted to be tolerated by in silico analysis. Based on the available evidence, the clinical significance of this variant remains unclear.